The following is an entry in ClinVar:

ClinVar aggregate classification (germline): Uncertain significance (1 of 4 stars; one submission).

Conditions:
Hereditary cancer-predisposing syndrome. Also called: Hereditary Cancer Syndrome; Hereditary neoplastic syndrome; Tumor predisposition; Neoplastic Syndromes, Hereditary. Identifiers: Orphanet 140162, MedGen C0027672, MeSH D009386, MONDO:0015356.

Allele frequency attached by ClinVar (database versions not stated): gnomAD exomes below 0.00001.
gnomAD v4.1: 2 of 1,613,718 alleles (0.00012%); highest among the groups gnomAD compares: Non-Finnish European, 0.00017%; no homozygotes.

Submission:

Ambry Genetics
Classification: Uncertain significance for Hereditary cancer-predisposing syndrome. Last evaluated: 2021-04-12. Review status: criteria provided, single submitter. Criteria: Ambry Variant Classification Scheme 2023. Collection method: clinical testing. Allele origin: germline.
Comment: The c.2431C>G variant (also known as p.L811V), located in coding exon 15 of the ATM gene, results from a C to G substitution at nucleotide position 2431. The leucine at codon 811 is replaced by valine, an amino acid with highly similar properties. This nucleotide position is not well conserved in available vertebrate species. In silico splice site analysis predicts that this alteration will weaken the native splice donor site and will result in the creation or strengthening of a novel splice donor site. RNA studies have demonstrated that this alteration results in a transcript predicted to lead to a protein with an in-frame deletion of 12 amino acids; however, the exact functional impact of the deleted amino acids are unknown at this time (Ambry internal data). Since supporting evidence is limited at this time, the clinical significance of this alteration remains unclear.

NM_000051.4(ATM):c.2431C>G (p.Leu811Val)

Gene: ATM (ATM serine/threonine kinase; plus strand). Cytogenetic location: 11q22.3.
Variant type: single nucleotide variant.
Coding change: c.2431C>G on transcript NM_000051.4 (MANE Select); coding-DNA position 2431, C replaced by G.
Protein change: p.Leu811Val; replaces leucine 811 with valine.
Molecular consequence: missense variant.
Genome position (GRCh38, 1-based): chr11:108,259,040, C>G. VCF-style: chr11-108259040-C-G. GRCh37 (hg19) VCF-style: chr11-108129767-C-G.
Other names: c.2431C>G, p.Leu811Val (NM_001351834.2); short protein forms L811V.
Identifiers: ClinVar variation 1791175 (VCV001791175.2), dbSNP rs2135421739, ClinGen allele CA382541289.